The following is an entry in ClinVar:

NM_018979.4(WNK1):c.3309A>G (p.Arg1103=)

Gene: WNK1 (WNK lysine deficient protein kinase 1; plus strand). Cytogenetic location: 12p13.33.
Variant type: single nucleotide variant.
Coding change: c.3309A>G on transcript NM_018979.4 (MANE Select); coding-DNA position 3309, A replaced by G.
Protein change: p.Arg1103=; no amino-acid change (arginine 1103 retained).
Molecular consequence: synonymous variant.
Genome position (GRCh38, 1-based): chr12:882,010, A>G. VCF-style: chr12-882010-A-G. GRCh37 (hg19) VCF-style: chr12-991176-A-G.
Other names: c.4089A>G, p.Arg1363= (NM_001184985.2); c.2568A>G, p.Arg856= (NM_014823.3); c.4065A>G, p.Arg1355= (NM_213655.5).
Identifiers: ClinVar variation 4978223 (VCV004978223.1).

ClinVar aggregate classification (germline): Likely benign (1 of 4 stars; one submission).

Conditions:
WNK1-related disorder. Also called: WNK1-related condition.

gnomAD v4.1: 1 of 1,614,164 alleles (0.000062%); highest among the groups gnomAD compares: Non-Finnish European, 0.000085%; no homozygotes.

Submission:

PreventionGenetics, part of Exact Sciences
Classification: Likely benign for WNK1-related condition. Last evaluated: 2025-03-17. Review status: criteria provided, single submitter. Criteria: ACMG Guidelines, 2015. Collection method: clinical testing. Allele origin: germline.
Comment: This variant is classified as likely benign based on ACMG/AMP sequence variant interpretation guidelines (Richards et al. 2015 PMID: 25741868, with internal and published modifications).